The following is an entry in ClinVar:

NM_013432.5(TONSL):c.290C>T (p.Ala97Val)

Gene: TONSL (tonsoku like, DNA repair protein; minus strand). Cytogenetic location: 8q24.3.
Variant type: single nucleotide variant.
Coding change: c.290C>T on transcript NM_013432.5 (MANE Select); coding-DNA position 290, C replaced by T.
Protein change: p.Ala97Val; replaces alanine 97 with valine.
Molecular consequence: missense variant.
Genome position (GRCh38, 1-based): chr8:144,443,296, G>A on the plus strand (C>T on the coding strand, the complement: TONSL is on the minus strand). VCF-style: chr8-144443296-G-A. GRCh37 (hg19) VCF-style: chr8-145668679-G-A.
Other names: short protein forms A97V.
Identifiers: ClinVar variation 1982185 (VCV001982185.4), dbSNP rs1189145757, ClinGen allele CA372679237.
Genomic context (GRCh38, chr8:144,443,296, plus strand): 5'-TGGGTGCGGCCGATGGTGGCCCAGGCCCTCTGCAGCTCCGTGTGGTTGCGCAGGGAATGT[G>A]CCAGCTCCAGGTACTGGTGCTGGTGCTGAGTGTGGAAGGAAGTCACTGCTGTGAGCCGAC-3'
Protein context (NP_038460.4, residues 87-107): LQHQHQYLEL[Ala97Val]HSLRNHTELQ

ClinVar aggregate classification (germline): Uncertain significance (1 of 4 stars; one submission).

Allele frequency attached by ClinVar (database versions not stated): gnomAD exomes below 0.00001; TOPMed below 0.00001; gnomAD 0.00001.

Submission:

Labcorp Genetics (formerly Invitae), Labcorp
Classification: Uncertain significance. Last evaluated: 2022-05-22. Review status: criteria provided, single submitter. Criteria: Invitae Variant Classification Sherloc (09022015). Collection method: clinical testing. Allele origin: germline.
Comment: This variant is not present in population databases (gnomAD no frequency). In summary, the available evidence is currently insufficient to determine the role of this variant in disease. Therefore, it has been classified as a Variant of Uncertain Significance. Algorithms developed to predict the effect of missense changes on protein structure and function are either unavailable or do not agree on the potential impact of this missense change (SIFT: "Tolerated"; PolyPhen-2: "Probably Damaging"; Align-GVGD: "Class C0"). This variant has not been reported in the literature in individuals affected with TONSL-related conditions. This sequence change replaces alanine, which is neutral and non-polar, with valine, which is neutral and non-polar, at codon 97 of the TONSL protein (p.Ala97Val).